The following is an entry in ClinVar:

NM_018429.3(BDP1):c.3792C>G (p.Ile1264Met)

Gene: BDP1 (BDP1 general transcription factor IIIB subunit; plus strand). Cytogenetic location: 5q13.2.
Variant type: single nucleotide variant.
Coding change: c.3792C>G on transcript NM_018429.3 (MANE Select); coding-DNA position 3792, C replaced by G.
Protein change: p.Ile1264Met; replaces isoleucine 1264 with methionine.
Molecular consequence: missense variant.
Genome position (GRCh38, 1-based): chr5:71,510,884, C>G. VCF-style: chr5-71510884-C-G. GRCh37 (hg19) VCF-style: chr5-70806711-C-G.
Other names: p.Ile1264Met; short protein forms I1264M.
Identifiers: ClinVar variation 508087 (VCV000508087.6), dbSNP rs715747, ClinGen allele CA3296533.

ClinVar aggregate classification (germline): Benign. Review status: criteria provided, multiple submitters, no conflicts (2 of 4 stars). 4 submissions from 4 submitters: Benign (4). Last evaluated 2021-07-14.

Conditions:
Hearing loss, autosomal recessive 112. Also called: DEAFNESS, AUTOSOMAL RECESSIVE 112. Identifiers: MedGen C4748855, MONDO:0032639, OMIM 618257.

Allele frequency attached by ClinVar (database versions not stated): gnomAD 0.77391 and 0.77935; 1000 Genomes Project 30x 0.78529; 1000 Genomes Project 0.79073; gnomAD exomes 0.82916 and 0.83264; ESP Exome Variant Server 0.77186; TOPMed 0.77754; ExAC 0.82543.
gnomAD v4.1: 1,330,476 of 1,613,756 alleles (82%); highest among the groups gnomAD compares: Admixed American, 88%; 550,720 homozygotes.

Submissions (4):

Genome-Nilou Lab
Classification: Benign for Hearing loss, autosomal recessive 112. Last evaluated: 2021-07-14. Review status: criteria provided, single submitter. Criteria: ACMG Guidelines, 2015. Collection method: clinical testing. Allele origin: germline. Affected: no.

Mayo Clinic Laboratories, Mayo Clinic
Classification: Benign. Last evaluated: 2019-08-05. Review status: criteria provided, single submitter. Criteria: ACMG Guidelines, 2015. Collection method: clinical testing. Allele origin: germline. Observed: 99 variant alleles.

GeneDx
Classification: Benign. Last evaluated: 2017-05-09. Review status: criteria provided, single submitter. Criteria: GeneDx Variant Classification (06012015). Collection method: clinical testing. Allele origin: germline. Affected: yes.
Comment: This variant is considered likely benign or benign based on one or more of the following criteria: it is a conservative change, it occurs at a poorly conserved position in the protein, it is predicted to be benign by multiple in silico algorithms, and/or has population frequency not consistent with disease.

Breakthrough Genomics
Classification: Benign. Review status: criteria provided, single submitter. Criteria: ACMG Guidelines, 2015. Collection method: not provided. Allele origin: germline. Inheritance: Autosomal recessive inheritance. Affected: yes.